The following is an entry in ClinVar:

ClinVar aggregate classification (germline): Uncertain significance. Review status: criteria provided, multiple submitters, no conflicts (2 of 4 stars). 2 submissions from 2 submitters: Uncertain significance (2). Last evaluated 2025-09-27.

Conditions:
Inborn genetic diseases. Identifiers: MedGen C0950123, MeSH D030342.

Allele frequency attached by ClinVar (database versions not stated): gnomAD exomes 0.00001.
gnomAD v4.1: 3 of 1,613,818 alleles (0.00019%); highest among the groups gnomAD compares: Admixed American, 0.005%; no homozygotes.

Submissions (2):

Ambry Genetics
Classification: Uncertain significance for Inborn genetic diseases. Last evaluated: 2025-09-27. Review status: criteria provided, single submitter. Criteria: Ambry Variant Classification Scheme 2023. Collection method: clinical testing. Allele origin: germline.

Labcorp Genetics (formerly Invitae), Labcorp
Classification: Uncertain significance. Last evaluated: 2022-03-29. Review status: criteria provided, single submitter. Criteria: Invitae Variant Classification Sherloc (09022015). Collection method: clinical testing. Allele origin: germline.
Comment: In summary, the available evidence is currently insufficient to determine the role of this variant in disease. Therefore, it has been classified as a Variant of Uncertain Significance. Advanced modeling of protein sequence and biophysical properties (such as structural, functional, and spatial information, amino acid conservation, physicochemical variation, residue mobility, and thermodynamic stability) performed at Invitae indicates that this missense variant is not expected to disrupt DCHS1 protein function. This variant has not been reported in the literature in individuals affected with DCHS1-related conditions. This variant is present in population databases (no rsID available, gnomAD 0.009%). This sequence change replaces proline, which is neutral and non-polar, with serine, which is neutral and polar, at codon 479 of the DCHS1 protein (p.Pro479Ser).

NM_003737.4(DCHS1):c.1435C>T (p.Pro479Ser)

Gene: DCHS1 (dachsous cadherin-related 1; minus strand). Cytogenetic location: 11p15.4.
Variant type: single nucleotide variant.
Coding change: c.1435C>T on transcript NM_003737.4 (MANE Select); coding-DNA position 1435, C replaced by T.
Protein change: p.Pro479Ser; replaces proline 479 with serine.
Molecular consequence: missense variant.
Genome position (GRCh38, 1-based): chr11:6,640,179, G>A on the plus strand (C>T on the coding strand, the complement: DCHS1 is on the minus strand). VCF-style: chr11-6640179-G-A. GRCh37 (hg19) VCF-style: chr11-6661410-G-A.
Other names: c.1435C>T (NM_003737.2); short protein forms P479S.
Identifiers: ClinVar variation 1929329 (VCV001929329.6), dbSNP rs1450517022, ClinGen allele CA379432168.